The following is an entry in ClinVar:

NM_012092.4(ICOS):c.61G>T (p.Glu21Ter)

Gene: ICOS (inducible T cell costimulator; plus strand). Cytogenetic location: 2q33.2.
Variant type: single nucleotide variant.
Coding change: c.61G>T on transcript NM_012092.4 (MANE Select); coding-DNA position 61, G replaced by T.
Protein change: p.Glu21Ter; replaces glutamic acid 21 with a stop codon.
Molecular consequence: nonsense.
Genome position (GRCh38, 1-based): chr2:203,955,638, G>T. VCF-style: chr2-203955638-G-T. GRCh37 (hg19) VCF-style: chr2-204820361-G-T.
Other names: short protein forms E21*.
Identifiers: ClinVar variation 1359008 (VCV001359008.6), dbSNP rs1015881666, ClinGen allele CA63850985.

ClinVar aggregate classification (germline): Pathogenic (1 of 4 stars; one submission).

Conditions:
Immunodeficiency, common variable, 1. Also called: ANTIBODY DEFICIENCY DUE TO ICOS DEFECT. Identifiers: Orphanet 1572, Orphanet 695183, MedGen C3149378, MONDO:0011864, OMIM 607594.

Allele frequency attached by ClinVar (database versions not stated): gnomAD exomes below 0.00001; TOPMed 0.00002.
gnomAD v4.1: 4 of 1,609,210 alleles (0.00025%); highest among the groups gnomAD compares: Admixed American, 0.0033%; no homozygotes.

Submission:

Labcorp Genetics (formerly Invitae), Labcorp
Classification: Pathogenic for Immunodeficiency, common variable, 1. Last evaluated: 2024-02-26. Review status: criteria provided, single submitter. Criteria: Invitae Variant Classification Sherloc (09022015). Collection method: clinical testing. Allele origin: germline.
Comment: This sequence change creates a premature translational stop signal (p.Glu21*) in the ICOS gene. It is expected to result in an absent or disrupted protein product. Loss-of-function variants in ICOS are known to be pathogenic (PMID: 11343122, 12577056, 19380800). This variant is present in population databases (no rsID available, gnomAD 0.003%). This variant has not been reported in the literature in individuals affected with ICOS-related conditions. ClinVar contains an entry for this variant (Variation ID: 1359008). For these reasons, this variant has been classified as Pathogenic.

Literature cited by the submitters: PubMed 11343122; PubMed 12577056; PubMed 19380800.